The following is an entry in ClinVar:

ClinVar aggregate classification (germline): Uncertain significance. Review status: criteria provided, multiple submitters, no conflicts (2 of 4 stars). 2 submissions from 2 submitters: Uncertain significance (2). Last evaluated 2024-01-01.

Conditions:
Tumor predisposition syndrome 3 (TPDS3). Also called: LONG TELOMERE SYNDROME, POT1-RELATED; POT1 Tumor Predisposition; Melanoma, cutaneous malignant, susceptibility to, 10; Glioma susceptibility 9. Identifiers: Orphanet 618, MedGen C4014476, MONDO:0014368, OMIM 615848.
Hereditary cancer-predisposing syndrome. Also called: Hereditary neoplastic syndrome; Neoplastic Syndromes, Hereditary; Tumor predisposition; Hereditary Cancer Syndrome. Identifiers: Orphanet 140162, MedGen C0027672, MeSH D009386, MONDO:0015356.

Allele frequency attached by ClinVar (database versions not stated): gnomAD exomes below 0.00001; TOPMed below 0.00001.
gnomAD v4.1: 2 of 1,614,056 alleles (0.00012%); highest among the groups gnomAD compares: African/African-American, 0.0013%; no homozygotes.

Submissions (2):

Ambry Genetics
Classification: Uncertain significance for Hereditary cancer-predisposing syndrome. Last evaluated: 2024-01-01. Review status: criteria provided, single submitter. Criteria: Ambry Variant Classification Scheme 2023. Collection method: clinical testing. Allele origin: germline.
Comment: The p.L483V variant (also known as c.1447C>G), located in coding exon 11 of the POT1 gene, results from a C to G substitution at nucleotide position 1447. The leucine at codon 483 is replaced by valine, an amino acid with highly similar properties. This amino acid position is conserved. In addition, this alteration is predicted to be tolerated by in silico analysis. Since supporting evidence is limited at this time, the clinical significance of this alteration remains unclear.

Labcorp Genetics (formerly Invitae), Labcorp
Classification: Uncertain significance for Tumor predisposition syndrome 3. Last evaluated: 2022-01-12. Review status: criteria provided, single submitter. Criteria: Invitae Variant Classification Sherloc (09022015). Collection method: clinical testing. Allele origin: germline.
Comment: This sequence change replaces leucine, which is neutral and non-polar, with valine, which is neutral and non-polar, at codon 483 of the POT1 protein (p.Leu483Val). In summary, the available evidence is currently insufficient to determine the role of this variant in disease. Therefore, it has been classified as a Variant of Uncertain Significance. Algorithms developed to predict the effect of missense changes on protein structure and function are either unavailable or do not agree on the potential impact of this missense change (SIFT: "Deleterious"; PolyPhen-2: "Probably Damaging"; Align-GVGD: "Class C0"). This variant has not been reported in the literature in individuals affected with POT1-related conditions. This variant is not present in population databases (gnomAD no frequency).

NM_015450.3(POT1):c.1447C>G (p.Leu483Val)

Gene: POT1 (protection of telomeres 1; minus strand). Cytogenetic location: 7q31.33.
Variant type: single nucleotide variant.
Coding change: c.1447C>G on transcript NM_015450.3 (MANE Select); coding-DNA position 1447, C replaced by G.
Protein change: p.Leu483Val; replaces leucine 483 with valine.
Molecular consequence: missense variant. On other transcripts: non-coding transcript variant (3).
Genome position (GRCh38, 1-based): chr7:124,835,337, G>C on the plus strand (C>G on the coding strand, the complement: POT1 is on the minus strand). VCF-style: chr7-124835337-G-C. GRCh37 (hg19) VCF-style: chr7-124475391-G-C.
Other names: c.1447C>G (NM_015450.2); c.1054C>G, p.Leu352Val (NM_001042594.2); short protein forms L352V, L483V.
Identifiers: ClinVar variation 1969289 (VCV001969289.6), dbSNP rs1562977841, ClinGen allele CA369065647.